The following is an entry in ClinVar:

NM_000543.5(SMPD1):c.305A>G (p.Asn102Ser)

Gene: SMPD1 (sphingomyelin phosphodiesterase 1; plus strand). Cytogenetic location: 11p15.4.
Variant type: single nucleotide variant.
Coding change: c.305A>G on transcript NM_000543.5 (MANE Select); coding-DNA position 305, A replaced by G.
Protein change: p.Asn102Ser; replaces asparagine 102 with serine.
Molecular consequence: missense variant. On other transcripts: 5 prime UTR variant (1), non-coding transcript variant (2).
Genome position (GRCh38, 1-based): chr11:6,390,903, A>G. VCF-style: chr11-6390903-A-G. GRCh37 (hg19) VCF-style: chr11-6412133-A-G.
Other names: c.305A>G, p.Asn102Ser (NM_001007593.3, NM_001318087.2, NM_001365135.2); c.-657A>G (NM_001318088.2); short protein forms N102S.
Identifiers: ClinVar variation 862929 (VCV000862929.7), dbSNP rs373475928, ClinGen allele CA5852543.

ClinVar aggregate classification (germline): Uncertain significance. Review status: criteria provided, multiple submitters, no conflicts (2 of 4 stars). 3 submissions from 3 submitters: Uncertain significance (2). 1 of the submissions does not count toward it. Last evaluated 2023-05-05.

Conditions:
Niemann-Pick disease, type A. Also called: SPHINGOMYELIN LIPIDOSIS; SPHINGOMYELINASE DEFICIENCY; Infantile Neurovisceral ASMD (Niemann-Pick Disease Type A; NPD-A). Identifiers: Orphanet 77292, MedGen C0268242, MONDO:0009756, OMIM 257200. Disease mechanism: loss of function.
Niemann-Pick disease, type B. Also called: Chronic Visceral ASMD (Niemann-Pick Disease Type B; NPD-B). Identifiers: Orphanet 77293, MedGen C0268243, MONDO:0011871, OMIM 607616. Disease mechanism: loss of function.

Allele frequency attached by ClinVar (database versions not stated): gnomAD 0.00001 and 0.00002; TOPMed 0.00002; ExAC 0.00005; ESP Exome Variant Server 0.00008; 1000 Genomes Project 0.00040; 1000 Genomes Project 30x 0.00062.

Submissions (3):

Women's Health and Genetics/Laboratory Corporation of America, LabCorp
Classification: Uncertain significance. Last evaluated: 2023-05-05. Review status: criteria provided, single submitter. Criteria: LabCorp Variant Classification Summary - May 2015. Collection method: clinical testing. Allele origin: germline.
Comment: Variant summary: SMPD1 c.305A>G (p.Asn102Ser) results in a conservative amino acid change located in the Saposin B type domain (IPR008139) of the encoded protein sequence. Three of five in-silico tools predict a benign effect of the variant on protein function. The variant allele was found at a frequency of 3.2e-05 in 250196 control chromosomes (gnomAD). The available data on variant occurrences in the general population are insufficient to allow any conclusion about variant significance. To our knowledge, no occurrence of c.305A>G in individuals affected with Niemann-Pick Disease and no experimental evidence demonstrating its impact on protein function have been reported. Two ClinVar submitters have assessed the variant since 2014: both classified the variant as uncertain significance. Based on the evidence outlined above, the variant was classified as uncertain significance.

Labcorp Genetics (formerly Invitae), Labcorp
Classification: Uncertain significance for Niemann-Pick disease, type B; Niemann-Pick disease, type A. Last evaluated: 2021-09-01. Review status: criteria provided, single submitter. Criteria: Invitae Variant Classification Sherloc (09022015). Collection method: clinical testing. Allele origin: germline.
Comment: This sequence change replaces asparagine with serine at codon 102 of the SMPD1 protein (p.Asn102Ser). The asparagine residue is weakly conserved and there is a small physicochemical difference between asparagine and serine. This variant is present in population databases (rs373475928, ExAC 0.03%). This variant has not been reported in the literature in individuals affected with SMPD1-related conditions. Algorithms developed to predict the effect of missense changes on protein structure and function (SIFT, PolyPhen-2, Align-GVGD) all suggest that this variant is likely to be tolerated. Algorithms developed to predict the effect of sequence changes on RNA splicing suggest that this variant may create or strengthen a splice site. In summary, the available evidence is currently insufficient to determine the role of this variant in disease. Therefore, it has been classified as a Variant of Uncertain Significance.

Natera, Inc.
Classification: Uncertain significance for Niemann-Pick Disease, Types A/B. Last evaluated: 2017-05-05. Review status: no assertion criteria provided. Collection method: clinical testing. Allele origin: germline. Not counted in ClinVar's aggregate classification.